The following is an entry in ClinVar:

ClinVar aggregate classification (germline): Likely pathogenic (1 of 4 stars; one submission).

Conditions:
Pheochromocytoma/paraganglioma syndrome 1. Also called: Paragangliomas 1; Glomus tumors familial 1; PARAGANGLIOMATA; PARAGANGLIOMAS, FAMILIAL NONCHROMAFFIN, 1; PGL 1; Paragangliomas familial 1. Identifiers: Orphanet 29072, MedGen C3494181, MONDO:0008192, OMIM 168000.

Submission:

3billion
Classification: Likely pathogenic for Pheochromocytoma/paraganglioma syndrome 1. Last evaluated: 2022-01-03. Review status: criteria provided, single submitter. Criteria: ACMG Guidelines, 2015. Collection method: clinical testing. Allele origin: germline. Affected: yes. Observed: 1 heterozygote.
Comment: Frameshift: predicted to result in a loss or disruption of normal protein function through protein truncation. Multiple pathogenic variants are reported in the predicted truncated region (PVS1_S). The variant has been reported to be associated with SDHD related disorder (3billion dataset). It is not observed in the gnomAD v2.1.1 dataset (PM2_M). Therefore, this variant is classified as likely pathogenic according to the recommendation of ACMG/AMP guideline.

NM_003002.4(SDHD):c.424_427del (p.Phe142fs)

Gene: SDHD (succinate dehydrogenase complex subunit D; plus strand). Cytogenetic location: 11q23.1.
Variant type: Deletion.
Coding change: c.424_427del on transcript NM_003002.4 (MANE Select); coding-DNA positions 424 to 427, 4 bases deleted (TTCA; older notation c.424_427delTTCA).
Protein change: p.Phe142fs; shifts the reading frame from phenylalanine 142.
Molecular consequence: frameshift variant. On other transcripts: 3 prime UTR variant (2), non-coding transcript variant (1).
Genome position (GRCh38, 1-based): chr11:112,094,914-112,094,917, TTCA deleted. VCF-style (leftmost placement, unchanged base first): chr11-112094913-TTTCA-T. GRCh37 (hg19) VCF-style: chr11-111965637-TTTCA-T.
Other names: c.*21_*24del (NM_001276503.2); c.307_310del, p.Phe103fs (NM_001276504.2); c.*122_*125del (NM_001276506.2); short protein forms F103fs, F142fs.
Identifiers: ClinVar variation 1333204 (VCV001333204.1), dbSNP rs2135277706, ClinGen allele CA2573053428.